The following is an entry in ClinVar:

ClinVar aggregate classification (germline): Uncertain significance (1 of 4 stars; one submission).

Conditions:
Hereditary cancer-predisposing syndrome. Also called: Tumor predisposition; Hereditary Cancer Syndrome; Hereditary neoplastic syndrome; Neoplastic Syndromes, Hereditary. Identifiers: Orphanet 140162, MedGen C0027672, MeSH D009386, MONDO:0015356.

Submission:

Ambry Genetics
Classification: Uncertain significance for Hereditary cancer-predisposing syndrome. Last evaluated: 2024-04-15. Review status: criteria provided, single submitter. Criteria: Ambry Variant Classification Scheme 2023. Collection method: clinical testing. Allele origin: germline.
Comment: The p.L321P variant (also known as c.962T>C), located in coding exon 7 of the FH gene, results from a T to C substitution at nucleotide position 962. The leucine at codon 321 is replaced by proline, an amino acid with similar properties. This amino acid position is highly conserved in available vertebrate species. In addition, this alteration is predicted to be deleterious by in silico analysis. Based on the available evidence, the clinical significance of this variant remains unclear.

NM_000143.4(FH):c.962T>C (p.Leu321Pro)

Gene: FH (fumarate hydratase; minus strand). Cytogenetic location: 1q43.
Variant type: single nucleotide variant.
Coding change: c.962T>C on transcript NM_000143.4 (MANE Select); coding-DNA position 962, T replaced by C.
Protein change: p.Leu321Pro; replaces leucine 321 with proline.
Molecular consequence: missense variant.
Genome position (GRCh38, 1-based): chr1:241,504,188, A>G on the plus strand (T>C on the coding strand, the complement: FH is on the minus strand). VCF-style: chr1-241504188-A-G. GRCh37 (hg19) VCF-style: chr1-241667488-A-G.
Other names: short protein forms L321P.
Identifiers: ClinVar variation 3278730 (VCV003278730.1).